The following is an entry in ClinVar:

ClinVar aggregate classification (germline): Uncertain significance. Review status: criteria provided, multiple submitters, no conflicts (2 of 4 stars). 2 submissions from 2 submitters: Uncertain significance (2). Last evaluated 2026-09-21.

Conditions:
PCNT-related disorder. Also called: PCNT-related condition.

Submissions (2):

PreventionGenetics, part of Exact Sciences
Classification: Uncertain significance for PCNT-related condition. Last evaluated: 2026-09-21. Review status: criteria provided, single submitter. Criteria: ACMG Guidelines, 2015. Collection method: clinical testing. Allele origin: germline.
Comment: The PCNT c.6988_6990delCCT variant is predicted to result in an in-frame deletion (p.Pro2330del). To our knowledge, this variant has not been reported in the literature. This variant is reported in 0.00088% of alleles in individuals of European (Non-Finnish) descent in gnomAD. At this time, the clinical significance of this variant is uncertain due to the absence of conclusive functional and genetic evidence.

Labcorp Genetics (formerly Invitae), Labcorp
Classification: Uncertain significance. Last evaluated: 2025-10-06. Review status: criteria provided, single submitter. Criteria: Invitae Variant Classification Sherloc (09022015). Collection method: clinical testing. Allele origin: germline.
Comment: This variant, c.6988_6990del, results in the deletion of 1 amino acid(s) of the PCNT protein (p.Pro2330del), but otherwise preserves the integrity of the reading frame. This variant is present in population databases (no rsID available, gnomAD 0.0009%). This variant has not been reported in the literature in individuals affected with PCNT-related conditions. Experimental studies and prediction algorithms are not available or were not evaluated, and the functional significance of this variant is currently unknown. In summary, the available evidence is currently insufficient to determine the role of this variant in disease. Therefore, it has been classified as a Variant of Uncertain Significance.

NM_006031.6(PCNT):c.6982CCT[2] (p.Pro2330del)

Gene: PCNT (pericentrin; plus strand). Cytogenetic location: 21q22.3.
Variant type: Microsatellite.
Coding change: c.6982CCT[2] on transcript NM_006031.6 (MANE Select); two copies in a row of the 3-base unit CCT starting at c.6982; the reference has three copies in a row; one copy, 3 bases deleted.
Protein change: p.Pro2330del; deletes proline 2330.
Molecular consequence: inframe deletion.
Genome position (GRCh38, 1-based): chr21:46,418,270-46,418,272, CCT deleted; deleting any 3 consecutive bases within chr21:46,418,264-46,418,272 gives the same sequence; the position shown is the placement nearest the transcript's 3' end. VCF-style (leftmost placement, unchanged base first): chr21-46418263-ACCT-A. GRCh37 (hg19) VCF-style: chr21-47838177-ACCT-A.
Other names: c.6628CCT[2], p.Pro2212del (NM_001315529.2); c.6988_6990delCCT (NM_006031.5); short protein forms P2212del, P2330del.
Identifiers: ClinVar variation 4754240 (VCV004754240.2).